The following is an entry in ClinVar:

ClinVar aggregate classification (germline): Pathogenic (1 of 4 stars; one submission).

Conditions:
Megaconial type congenital muscular dystrophy (MDCMC). Also called: MUSCULAR DYSTROPHY, CONGENITAL, WITH MITOCHONDRIAL STRUCTURAL ABNORMALITIES; CHKB-Related Muscle Diseases; CHKB-Related Muscular Dystrophy. Identifiers: Orphanet 280671, MedGen C1865233, MONDO:0011246, OMIM 602541.

Submission:

Labcorp Genetics (formerly Invitae), Labcorp
Classification: Pathogenic for Megaconial type congenital muscular dystrophy. Last evaluated: 2023-02-25. Review status: criteria provided, single submitter. Criteria: Invitae Variant Classification Sherloc (09022015). Collection method: clinical testing. Allele origin: germline.
Comment: For these reasons, this variant has been classified as Pathogenic. This variant has not been reported in the literature in individuals affected with CHKB-related conditions. This variant is not present in population databases (gnomAD no frequency). This sequence change creates a premature translational stop signal (p.Pro149Glnfs*5) in the CHKB gene. It is expected to result in an absent or disrupted protein product. Loss-of-function variants in CHKB are known to be pathogenic (PMID: 21665002).

Literature cited by the submitters: PubMed 21665002.

NM_005198.5(CHKB):c.446del (p.Pro149fs)

Genes: CHKB-CPT1B (CHKB-CPT1B readthrough (NMD candidate); minus strand), CHKB (choline kinase beta; minus strand). Cytogenetic location: 22q13.33.
Variant type: Deletion.
Coding change: c.446del on transcript NM_005198.5 (MANE Select); coding-DNA position 446, one base deleted (C; older notation c.446delC).
Protein change: p.Pro149fs; shifts the reading frame from proline 149.
Molecular consequence: frameshift variant. On other transcripts: non-coding transcript variant (1).
Genome position (GRCh38, 1-based): chr22:50,581,750, G deleted on the plus strand (C on the coding strand, the reverse complement: CHKB is on the minus strand); the first of 3 consecutive G bases (chr22:50,581,750-50,581,752); deleting any one gives the same sequence. VCF-style (leftmost placement, unchanged base first): chr22-50581749-TG-T. GRCh37 (hg19) VCF-style: chr22-51020178-TG-T.
Other names: short protein forms P149fs.
Identifiers: ClinVar variation 2840850 (VCV002840850.3), dbSNP rs2522785657, ClinGen allele CA2739265707.